The following is an entry in ClinVar:

NM_198880.3(QRICH1):c.2198C>T (p.Ala733Val)

Gene: QRICH1 (glutamine rich 1; minus strand). Cytogenetic location: 3p21.31.
Variant type: single nucleotide variant.
Coding change: c.2198C>T on transcript NM_198880.3 (MANE Select); coding-DNA position 2198, C replaced by T.
Protein change: p.Ala733Val; replaces alanine 733 with valine.
Molecular consequence: missense variant.
Genome position (GRCh38, 1-based): chr3:49,030,585, G>A on the plus strand (C>T on the coding strand, the complement: QRICH1 is on the minus strand). VCF-style: chr3-49030585-G-A. GRCh37 (hg19) VCF-style: chr3-49068018-G-A.
Other names: c.2198C>T, p.Ala733Val (NM_001320580.2, NM_001320581.2, NM_001320582.2 and 4 more transcripts); short protein forms A733V.
Identifiers: ClinVar variation 4071903 (VCV004071903.1).
Genomic context (GRCh38, chr3:49,030,585, plus strand): 5'-ATTTGTCCCATCTGCTCTCTGCTGATAGGCTGGACTGAGTACCAGATTGGGCTGTTGGGG[G>A]CCACCACTGGCTCAGGTGTCAGGTAAAAGGTGTCATTCCGGCCTTTCACACTCTGGGGGC-3'
Protein context (NP_942581.1, residues 723-743): TFYLTPEPVV[Ala733Val]PNSPIWYSVQ

ClinVar aggregate classification (germline): Uncertain significance (1 of 4 stars; one submission).

gnomAD v4.1: 1 of 1,611,806 alleles (0.000062%); highest among the groups gnomAD compares: Non-Finnish European, 0.000085%; no homozygotes.

Submission:

GeneDx
Classification: Uncertain significance. Last evaluated: 2025-01-27. Review status: criteria provided, single submitter. Criteria: GeneDx Variant Classification Process June 2021. Collection method: clinical testing. Allele origin: germline. Affected: yes.
Comment: Not observed at significant frequency in large population cohorts (gnomAD); In silico analysis indicates that this missense variant does not alter protein structure/function; Has not been previously published as pathogenic or benign to our knowledge